The following is an entry in ClinVar:

ClinVar aggregate classification (germline): Uncertain significance. Review status: criteria provided, multiple submitters, no conflicts (2 of 4 stars). 3 submissions from 3 submitters: Uncertain significance (3). Last evaluated 2025-08-14.

Conditions:
Inborn genetic diseases. Identifiers: MedGen C0950123, MeSH D030342.

Allele frequency attached by ClinVar (database versions not stated): gnomAD 0.00001; gnomAD exomes 0.00001 and 0.00007; TOPMed 0.00003; ExAC 0.00005; 1000 Genomes Project 30x 0.00031.
gnomAD v4.1: 21 of 1,609,604 alleles (0.0013%); highest among the groups gnomAD compares: Admixed American, 0.024%; no homozygotes.

Submissions (3):

Labcorp Genetics (formerly Invitae), Labcorp
Classification: Uncertain significance. Last evaluated: 2025-08-14. Review status: criteria provided, single submitter. Criteria: Invitae Variant Classification Sherloc (09022015). Collection method: clinical testing. Allele origin: germline.
Comment: This sequence change replaces serine, which is neutral and polar, with leucine, which is neutral and non-polar, at codon 51 of the CACNA2D4 protein (p.Ser51Leu). This variant is present in population databases (rs780865376, gnomAD 0.03%). This variant has not been reported in the literature in individuals affected with CACNA2D4-related conditions. ClinVar contains an entry for this variant (Variation ID: 839117). An algorithm developed to predict the effect of missense changes on protein structure and function outputs the following: PolyPhen-2: "Benign". The leucine amino acid residue is found in multiple mammalian species, which suggests that this missense change does not adversely affect protein function. In summary, the available evidence is currently insufficient to determine the role of this variant in disease. Therefore, it has been classified as a Variant of Uncertain Significance.

Ambry Genetics
Classification: Uncertain significance for Inborn genetic diseases. Last evaluated: 2022-03-25. Review status: criteria provided, single submitter. Criteria: Ambry Variant Classification Scheme 2023. Collection method: clinical testing. Allele origin: germline.

Blueprint Genetics
Classification: Uncertain significance. Last evaluated: 2021-11-08. Review status: criteria provided, single submitter. Criteria: ACMG Guidelines, 2015. Collection method: clinical testing. Allele origin: germline.

NM_172364.5(CACNA2D4):c.152C>T (p.Ser51Leu)

Gene: CACNA2D4 (calcium voltage-gated channel auxiliary subunit alpha2delta 4; minus strand). Cytogenetic location: 12p13.33.
Variant type: single nucleotide variant.
Coding change: c.152C>T on transcript NM_172364.5 (MANE Select); coding-DNA position 152, C replaced by T.
Protein change: p.Ser51Leu; replaces serine 51 with leucine.
Molecular consequence: missense variant.
Genome position (GRCh38, 1-based): chr12:1,918,322, G>A on the plus strand (C>T on the coding strand, the complement: CACNA2D4 is on the minus strand). VCF-style: chr12-1918322-G-A. GRCh37 (hg19) VCF-style: chr12-2027488-G-A.
Other names: short protein forms S51L.
Identifiers: ClinVar variation 839117 (VCV000839117.12), dbSNP rs780865376, ClinGen allele CA6387667.